The following is an entry in ClinVar:

NM_014889.4(PITRM1):c.2292G>A (p.Lys764=)

Genes: PITRM1 (pitrilysin metallopeptidase 1; minus strand), PITRM1-AS1 (PITRM1 antisense RNA 1; plus strand). Cytogenetic location: 10p15.2.
Variant type: single nucleotide variant.
Coding change: c.2292G>A on transcript NM_014889.4 (MANE Select); coding-DNA position 2292, G replaced by A.
Protein change: p.Lys764=; no amino-acid change (lysine 764 retained).
Molecular consequence: synonymous variant. On other transcripts: non-coding transcript variant (5).
Genome position (GRCh38, 1-based): chr10:3,147,194, C>T on the plus strand (G>A on the coding strand, the complement: PITRM1 is on the minus strand). VCF-style: chr10-3147194-C-T. GRCh37 (hg19) VCF-style: chr10-3189386-C-T.
Other names: c.2295G>A, p.Lys765= (NM_001242307.2); c.1998G>A, p.Lys666= (NM_001242309.1); c.2094G>A, p.Lys698= (NM_001347725.2); c.1479G>A, p.Lys493= (NM_001347726.2); c.1677G>A, p.Lys559= (NM_001347727.2); c.987G>A, p.Lys329= (NM_001347728.2); c.2268G>A, p.Lys756= (NM_001347729.1); c.2070G>A, p.Lys690= (NM_001347730.1).
Identifiers: ClinVar variation 3251092 (VCV003251092.18), dbSNP rs2491694320.

ClinVar aggregate classification (germline): Likely benign (1 of 4 stars; one submission).

Allele frequency attached by ClinVar (database versions not stated): gnomAD exomes below 0.00001.
gnomAD v4.1: 4 of 1,611,256 alleles (0.00025%); highest among the groups gnomAD compares: Non-Finnish European, 0.00034%; no homozygotes.

Submission:

CeGaT Center for Human Genetics Tuebingen
Classification: Likely benign. Last evaluated: 2024-06-01. Review status: criteria provided, single submitter. Criteria: CeGaT Center For Human Genetics Tuebingen Variant Classification Criteria Version 2. Collection method: clinical testing. Allele origin: germline. Affected: yes. Observed: 1 variant allele.
Comment: PITRM1: PM2:Supporting, BP4, BP7